The following is an entry in ClinVar:

ClinVar aggregate classification (germline): Uncertain significance (1 of 4 stars; one submission).

Allele frequency attached by ClinVar (database versions not stated): gnomAD 0.00017; TOPMed 0.00021.
gnomAD v4.1: 25 of 993,614 alleles (0.0025%); highest among the groups gnomAD compares: Admixed American, 0.15%; no homozygotes.

Submission:

Labcorp Genetics (formerly Invitae), Labcorp
Classification: Uncertain significance. Last evaluated: 2023-11-04. Review status: criteria provided, single submitter. Criteria: Invitae Variant Classification Sherloc (09022015). Collection method: clinical testing. Allele origin: germline.
Comment: This sequence change replaces glycine, which is neutral and non-polar, with serine, which is neutral and polar, at codon 30 of the KMT2B protein (p.Gly30Ser). The frequency data for this variant in the population databases is considered unreliable, as metrics indicate poor data quality at this position in the gnomAD database. This variant has not been reported in the literature in individuals affected with KMT2B-related conditions. Advanced modeling of protein sequence and biophysical properties (such as structural, functional, and spatial information, amino acid conservation, physicochemical variation, residue mobility, and thermodynamic stability) performed at Invitae indicates that this missense variant is expected to disrupt KMT2B protein function with a positive predictive value of 80%. In summary, the available evidence is currently insufficient to determine the role of this variant in disease. Therefore, it has been classified as a Variant of Uncertain Significance.

NM_014727.3(KMT2B):c.88G>A (p.Gly30Ser)

Genes: KMT2B (lysine methyltransferase 2B; plus strand), LOC130064257 (ATAC-STARR-seq lymphoblastoid silent region 10534; plus strand). Cytogenetic location: 19q13.12.
Variant type: single nucleotide variant.
Coding change: c.88G>A on transcript NM_014727.3 (MANE Select); coding-DNA position 88, G replaced by A.
Protein change: p.Gly30Ser; replaces glycine 30 with serine.
Molecular consequence: missense variant.
Genome position (GRCh38, 1-based): chr19:35,718,106, G>A. VCF-style: chr19-35718106-G-A. GRCh37 (hg19) VCF-style: chr19-36209008-G-A.
Other names: short protein forms G30S.
Identifiers: ClinVar variation 2971630 (VCV002971630.3), dbSNP rs1315348887, ClinGen allele CA405374344.